The following is an entry in ClinVar:

NM_012086.5(GTF3C3):c.412-4A>G

Gene: GTF3C3 (general transcription factor IIIC subunit 3; minus strand). Cytogenetic location: 2q33.1.
Variant type: single nucleotide variant.
Coding change: c.412-4A>G on transcript NM_012086.5 (MANE Select); 4 bases into the intron before coding-DNA position 412, A replaced by G.
Molecular consequence: intron variant.
Genome position (GRCh38, 1-based): chr2:196,791,464, T>C on the plus strand (A>G on the coding strand, the complement: GTF3C3 is on the minus strand). VCF-style: chr2-196791464-T-C. GRCh37 (hg19) VCF-style: chr2-197656188-T-C.
Other names: c.412-4A>G (NM_001206774.2).
Identifiers: ClinVar variation 4533576 (VCV004533576.6).

ClinVar aggregate classification (germline): Likely benign (1 of 4 stars; one submission).

gnomAD v4.1: 2,187 of 1,607,688 alleles (0.14%); highest among the groups gnomAD compares: Non-Finnish European, 0.17%; 4 homozygotes.

Submission:

CeGaT Center for Human Genetics Tuebingen
Classification: Likely benign. Last evaluated: 2025-11-01. Review status: criteria provided, single submitter. Criteria: CeGaT Center For Human Genetics Tuebingen Variant Classification Criteria Version 2. Collection method: clinical testing. Allele origin: germline. Affected: yes. Observed: 1 variant allele.
Comment: GTF3C3: BP4